The following is an entry in ClinVar:

NM_000553.6(WRN):c.2392A>T (p.Met798Leu)

Gene: WRN (WRN RecQ like helicase; plus strand). Cytogenetic location: 8p12.
Variant type: single nucleotide variant.
Coding change: c.2392A>T on transcript NM_000553.6 (MANE Select); coding-DNA position 2392, A replaced by T.
Protein change: p.Met798Leu; replaces methionine 798 with leucine.
Molecular consequence: missense variant.
Genome position (GRCh38, 1-based): chr8:31,116,472, A>T. VCF-style: chr8-31116472-A-T. GRCh37 (hg19) VCF-style: chr8-30973988-A-T.
Other names: short protein forms M798L.
Identifiers: ClinVar variation 649811 (VCV000649811.4), dbSNP rs1585478471, ClinGen allele CA370913797.

ClinVar aggregate classification (germline): Uncertain significance (1 of 4 stars; one submission).

Conditions:
Werner syndrome (WRN). Identifiers: Orphanet 902, MedGen C0043119, MONDO:0010196, OMIM 277700.

Submission:

Labcorp Genetics (formerly Invitae), Labcorp
Classification: Uncertain significance for Werner syndrome. Last evaluated: 2018-10-21. Review status: criteria provided, single submitter. Criteria: Invitae Variant Classification Sherloc (09022015). Collection method: clinical testing. Allele origin: germline.
Comment: This variant has not been reported in the literature in individuals with WRN-related disease. This sequence change replaces methionine with leucine at codon 798 of the WRN protein (p.Met798Leu). The methionine residue is moderately conserved and there is a small physicochemical difference between methionine and leucine. This variant is not present in population databases (ExAC no frequency). Algorithms developed to predict the effect of missense changes on protein structure and function output the following: SIFT: "Tolerated"; PolyPhen-2: "Benign"; Align-GVGD: "Class C0". The leucine amino acid residue is found in multiple mammalian species, suggesting that this missense change does not adversely affect protein function. These predictions have not been confirmed by published functional studies and their clinical significance is uncertain. In summary, the available evidence is currently insufficient to determine the role of this variant in disease. Therefore, it has been classified as a Variant of Uncertain Significance.